The following is an entry in ClinVar:

NM_133433.4(NIPBL):c.7264-2A>G

Gene: NIPBL (NIPBL cohesin loading factor; plus strand). Cytogenetic location: 5p13.2.
Variant type: single nucleotide variant.
Coding change: c.7264-2A>G on transcript NM_133433.4 (MANE Select); the canonical splice acceptor site of the intron before coding-DNA position 7264, A replaced by G.
Molecular consequence: splice acceptor variant.
Genome position (GRCh38, 1-based): chr5:37,057,184, A>G. VCF-style: chr5-37057184-A-G. GRCh37 (hg19) VCF-style: chr5-37057286-A-G.
Other names: c.7264-2A>G (NM_001438586.1, NM_015384.5).
Identifiers: ClinVar variation 4857256 (VCV004857256.2).
Genomic context (GRCh38, chr5:37,057,184, plus strand): 5'-GTTTTTTGGTTGGGTTTCTAGATTATCCGCTAAACATGTGTGCTTTTTCTTAAAATTTAC[A>G]GAAAACAGACGTGACTATGCTCTTGTATATAGCAGACAATCTAGCCTGTTTTCCATACCA-3'

ClinVar aggregate classification (germline): Pathogenic (1 of 4 stars; one submission).

Conditions:
Cornelia de Lange syndrome 1 (CDLS1). Also called: TYPUS DEGENERATIVUS AMSTELODAMENSIS; Brachmann de Lange syndrome; NIPBL-Related Cornelia de Lange Syndrome. Identifiers: Orphanet 199, MedGen C4551851, MONDO:0007387, OMIM 122470.

Submission:

MVZ Medizinische Genetik Mainz
Classification: Pathogenic for Cornelia de Lange syndrome 1. Last evaluated: 2026-06-24. Review status: criteria provided, single submitter. Criteria: UK Practice Guidelines For Variant Classification V4 01 2020. Collection method: clinical testing. Allele origin: germline. Inheritance: Autosomal dominant inheritance. Affected: yes. Observed: 1 variant allele.
Comment: ACMG Criteria: PVS1,PM2_SUP,PM6_SUP